The following is an entry in ClinVar:

ClinVar aggregate classification (germline): Uncertain significance (1 of 4 stars; one submission).

Conditions:
Neonatal encephalomyopathy-cardiomyopathy-respiratory distress syndrome. Also called: Coenzyme Q10 deficiency, primary, 7. Identifiers: Orphanet 457185, MedGen C5568562, MONDO:0014562, OMIM 616276.

Allele frequency attached by ClinVar (database versions not stated): gnomAD exomes below 0.00001; TOPMed below 0.00001.
gnomAD v4.1: 1 of 1,597,542 alleles (0.000063%); highest among the groups gnomAD compares: Non-Finnish European, 0.000085%; no homozygotes.

Submission:

Labcorp Genetics (formerly Invitae), Labcorp
Classification: Uncertain significance for Neonatal encephalomyopathy-cardiomyopathy-respiratory distress syndrome. Last evaluated: 2021-08-17. Review status: criteria provided, single submitter. Criteria: Invitae Variant Classification Sherloc (09022015). Collection method: clinical testing. Allele origin: germline.
Comment: This sequence change replaces glycine with aspartic acid at codon 17 of the COQ4 protein (p.Gly17Asp). The glycine residue is moderately conserved and there is a moderate physicochemical difference between glycine and aspartic acid. This variant is not present in population databases (ExAC no frequency). This variant has not been reported in the literature in individuals affected with COQ4-related conditions. Algorithms developed to predict the effect of missense changes on protein structure and function (SIFT, PolyPhen-2, Align-GVGD) all suggest that this variant is likely to be tolerated. In summary, the available evidence is currently insufficient to determine the role of this variant in disease. Therefore, it has been classified as a Variant of Uncertain Significance.

NM_016035.5(COQ4):c.50G>A (p.Gly17Asp)

Gene: COQ4 (coenzyme Q4; plus strand). Cytogenetic location: 9q34.11.
Variant type: single nucleotide variant.
Coding change: c.50G>A on transcript NM_016035.5 (MANE Select); coding-DNA position 50, G replaced by A.
Protein change: p.Gly17Asp; replaces glycine 17 with aspartic acid.
Molecular consequence: missense variant.
Genome position (GRCh38, 1-based): chr9:128,322,908, G>A. VCF-style: chr9-128322908-G-A. GRCh37 (hg19) VCF-style: chr9-131085187-G-A.
Other names: c.50G>A, p.Gly17Asp (NM_001305942.2); short protein forms G17D.
Identifiers: ClinVar variation 1412817 (VCV001412817.6), dbSNP rs1479693218, ClinGen allele CA375017067.